The following is an entry in ClinVar:

NM_002878.4(RAD51D):c.820dup (p.Thr274fs)

Genes: RAD51D (RAD51 paralog D; minus strand), RAD51L3-RFFL (RAD51L3-RFFL readthrough; minus strand). Cytogenetic location: 17q12.
Variant type: Duplication.
Coding change: c.820dup on transcript NM_002878.4 (MANE Select); coding-DNA position 820, one base duplicated (A; older notation c.820dupA).
Protein change: p.Thr274fs; shifts the reading frame from threonine 274.
Molecular consequence: frameshift variant. On other transcripts: non-coding transcript variant (3).
Genome position (GRCh38, 1-based): chr17:35,101,284, T duplicated on the plus strand (A on the coding strand, the reverse complement: RAD51D is on the minus strand). VCF-style (leftmost placement, unchanged base first): chr17-35101283-G-GT. GRCh37 (hg19) VCF-style: chr17-33428302-G-GT.
Other names: c.880dup, p.Thr294fs (NM_001142571.2); c.484dup, p.Thr162fs (NM_133629.3); c.820dupA (NM_002878.3); short protein forms T162fs, T294fs, T274fs.
Identifiers: ClinVar variation 3654062 (VCV003654062.3).

ClinVar aggregate classification (germline): Likely pathogenic. Review status: criteria provided, multiple submitters, no conflicts (2 of 4 stars). 2 submissions from 2 submitters: Likely pathogenic (2). Last evaluated 2025-11-12.

Conditions:
Hereditary cancer-predisposing syndrome. Also called: Hereditary Cancer Syndrome; Neoplastic Syndromes, Hereditary; Hereditary neoplastic syndrome; Tumor predisposition. Identifiers: Orphanet 140162, MedGen C0027672, MeSH D009386, MONDO:0015356.
Breast-ovarian cancer, familial, susceptibility to, 4. Identifiers: Orphanet 145, MedGen C3280345, MONDO:0013669, OMIM 614291.

Submissions (2):

Ambry Genetics
Classification: Likely pathogenic for Hereditary cancer-predisposing syndrome. Last evaluated: 2025-11-12. Review status: criteria provided, single submitter. Criteria: Ambry Variant Classification Scheme 2023. Collection method: clinical testing. Allele origin: germline.
Comment: The c.820dupA variant, located in coding exon 9 of the RAD51D gene, results from a duplication of A at nucleotide position 820, causing a translational frameshift with a predicted alternate stop codon (p.T274Nfs*53). This alteration occurs at the 3' terminus of the gene, is not expected to trigger nonsense-mediated mRNA decay, and impacts the last 16% of the protein. However, premature stop codons are typically deleterious in nature and the impacted region is critical for protein function and and a significant portion of the protein is affected (Ambry internal data). This variant is considered to be rare based on population cohorts in the Genome Aggregation Database (gnomAD). Based on the majority of available evidence to date, this variant is likely to be pathogenic.

Labcorp Genetics (formerly Invitae), Labcorp
Classification: Likely pathogenic for Breast-ovarian cancer, familial, susceptibility to, 4. Last evaluated: 2024-05-21. Review status: criteria provided, single submitter. Criteria: Invitae Variant Classification Sherloc (09022015). Collection method: clinical testing. Allele origin: germline.
Comment: This sequence change creates a premature translational stop signal (p.Thr274Asnfs*53) in the RAD51D gene. While this is not anticipated to result in nonsense mediated decay, it is expected to disrupt the last 55 amino acid(s) of the RAD51D protein. This variant is not present in population databases (gnomAD no frequency). This variant has not been reported in the literature in individuals affected with RAD51D-related conditions. This variant disrupts the ATPase domain and RAD51C interaction domain of the RAD51D protein, which are necessary for the DNA repair activity (PMID: 14704354, 19327148, 21111057, 10749867). While functional studies have not been performed to directly test the effect of this variant on RAD51D protein function, this suggests that disruption of this region of the protein is causative of disease. In summary, the currently available evidence indicates that the variant is pathogenic, but additional data are needed to prove that conclusively. Therefore, this variant has been classified as Likely Pathogenic.

Literature cited by the submitters: PubMed 14704354 (cited by Labcorp Genetics (formerly Invitae), Labcorp); PubMed 19327148 (cited by Labcorp Genetics (formerly Invitae), Labcorp); PubMed 21111057 (cited by Labcorp Genetics (formerly Invitae), Labcorp); PubMed 10749867 (cited by Labcorp Genetics (formerly Invitae), Labcorp).